The following is an entry in ClinVar:

ClinVar aggregate classification (germline): Uncertain significance (1 of 4 stars; one submission).

Conditions:
Fabry disease. Also called: Fabry's disease; ALPHA-GALACTOSIDASE A DEFICIENCY; ANDERSON-FABRY DISEASE; CERAMIDE TRIHEXOSIDASE DEFICIENCY; GLA DEFICIENCY; HEREDITARY DYSTOPIC LIPIDOSIS. Identifiers: Orphanet 324, MedGen C0002986, MONDO:0010526, OMIM 301500, HP:0001071. Disease mechanism: Fabry disease is due to inactivating mutations in the X-linked GLA gene resulting in deficiency of the enzyme Alpha Galactosidase-A., loss of function.

Submission:

Genomenon, Inc
Classification: Uncertain significance for Fabry disease. Last evaluated: 2026-09-08. Review status: criteria provided, single submitter. Criteria: Genomenon Sequence Variant Interpretation Standards - Updated. Collection method: curation. Allele origin: germline. Affected: no.
Comment: GLA p.Phe396Tyr (c.1187T>A) is a missense variant that changes the amino acid at codon 396 from Phenylalanine to Tyrosine. This variant has been reported in the published literature (PMID:7503918;15003450;31213654;23307880;32023956;23935525;12471562;27657681). It is absent or not present at a significant frequency in gnomAD. In conclusion, we classify GLA p.Phe396Tyr (c.1187T>A) as a variant of uncertain significance.

Literature cited by the submitters: PubMed 7503918; PubMed 15003450; PubMed 31213654; PubMed 23307880; PubMed 32023956; PubMed 23935525; PubMed 12471562; PubMed 27657681.

NM_000169.3(GLA):c.1187T>A (p.Phe396Tyr)

Genes: GLA (galactosidase alpha; minus strand), RPL36A-HNRNPH2 (RPL36A-HNRNPH2 readthrough; plus strand). Cytogenetic location: Xq22.1.
Variant type: single nucleotide variant.
Coding change: c.1187T>A on transcript NM_000169.3 (MANE Select); coding-DNA position 1187, T replaced by A.
Protein change: p.Phe396Tyr; replaces phenylalanine 396 with tyrosine.
Molecular consequence: missense variant. On other transcripts: non-coding transcript variant (3), intron variant (2).
Genome position (GRCh38, 1-based): chrX:101,397,912, A>T on the plus strand (T>A on the coding strand, the complement: GLA is on the minus strand). VCF-style: chrX-101397912-A-T. GRCh37 (hg19) VCF-style: chrX-100652900-A-T.
Other names: c.1310T>A, p.Phe437Tyr (NM_001406747.1); c.300+2455A>T (NM_001199973.2); c.177+6090A>T (NM_001199974.2); short protein forms F396Y, F437Y.
Identifiers: ClinVar variation 4974844 (VCV004974844.1).